The following is an entry in ClinVar:

ClinVar aggregate classification (germline): Uncertain significance. Review status: criteria provided, multiple submitters, no conflicts (2 of 4 stars). 3 submissions from 3 submitters: Uncertain significance (2). 1 of the submissions does not count toward it. Last evaluated 2024-07-26.

Conditions:
CHD7-related disorder. Also called: CHD7-related condition.
Inborn genetic diseases. Identifiers: MedGen C0950123, MeSH D030342.
CHARGE syndrome (CHARGE). Also called: Coloboma, heart anomaly, choanal atresia, retardation, genital and ear anomalies; CHARGE association; Hall-Hittner syndrome; Hittner Hirsch Kreh syndrome; CHARGE ASSOCIATION--COLOBOMA, HEART ANOMALY, CHOANAL ATRESIA, RETARDATION, GENITAL AND EAR ANOMALIES. Identifiers: Orphanet 138, MedGen C0265354, MONDO:0008965.

Allele frequency attached by ClinVar (database versions not stated): gnomAD exomes below 0.00001; gnomAD 0.00001; TOPMed 0.00001.
gnomAD v4.1: 7 of 1,613,802 alleles (0.00043%); highest among the groups gnomAD compares: Non-Finnish European, 0.00059%; no homozygotes.

Submissions (3):

Ambry Genetics
Classification: Uncertain significance for Inborn genetic diseases. Last evaluated: 2024-07-26. Review status: criteria provided, single submitter. Criteria: Ambry Variant Classification Scheme 2023. Collection method: clinical testing. Allele origin: germline.

Labcorp Genetics (formerly Invitae), Labcorp
Classification: Uncertain significance for CHARGE syndrome. Last evaluated: 2018-11-07. Review status: criteria provided, single submitter. Criteria: Invitae Variant Classification Sherloc (09022015). Collection method: clinical testing. Allele origin: germline.
Comment: In summary, the available evidence is currently insufficient to determine the role of this variant in disease. Therefore, it has been classified as a Variant of Uncertain Significance. Algorithms developed to predict the effect of missense changes on protein structure and function (SIFT, PolyPhen-2, Align-GVGD) all suggest that this variant is likely to be tolerated, but these predictions have not been confirmed by published functional studies and their clinical significance is uncertain. This variant has not been reported in the literature in individuals with CHD7-related disease. This variant is not present in population databases (ExAC no frequency). This sequence change replaces histidine with arginine at codon 541 of the CHD7 protein (p.His541Arg). The histidine residue is highly conserved and there is a small physicochemical difference between histidine and arginine.

PreventionGenetics, part of Exact Sciences
Classification: Uncertain significance for CHD7-related condition. Last evaluated: 2023-11-24. Review status: no assertion criteria provided. Collection method: clinical testing. Allele origin: germline. Not counted in ClinVar's aggregate classification.
Comment: The CHD7 c.1622A>G variant is predicted to result in the amino acid substitution p.His541Arg. To our knowledge, this variant has not been reported in the literature or in a large population database, indicating this variant is rare. At this time, the clinical significance of this variant is uncertain due to the absence of conclusive functional and genetic evidence.

NM_017780.4(CHD7):c.1622A>G (p.His541Arg)

Gene: CHD7 (chromodomain helicase DNA binding protein 7; plus strand). Cytogenetic location: 8q12.2.
Variant type: single nucleotide variant.
Coding change: c.1622A>G on transcript NM_017780.4 (MANE Select); coding-DNA position 1622, A replaced by G.
Protein change: p.His541Arg; replaces histidine 541 with arginine.
Molecular consequence: missense variant.
Genome position (GRCh38, 1-based): chr8:60,743,054, A>G. VCF-style: chr8-60743054-A-G. GRCh37 (hg19) VCF-style: chr8-61655613-A-G.
Other names: c.1622A>G, p.His541Arg (NM_001316690.1); short protein forms H541R.
Identifiers: ClinVar variation 660109 (VCV000660109.13), dbSNP rs1388338640, ClinGen allele CA371303732.